The following is an entry in ClinVar:

NM_022552.5(DNMT3A):c.1485C>G (p.Ile495Met)

Gene: DNMT3A (DNA methyltransferase 3 alpha; minus strand). Cytogenetic location: 2p23.3.
Variant type: single nucleotide variant.
Coding change: c.1485C>G on transcript NM_022552.5 (MANE Select); coding-DNA position 1485, C replaced by G.
Protein change: p.Ile495Met; replaces isoleucine 495 with methionine.
Molecular consequence: missense variant. On other transcripts: non-coding transcript variant (1).
Genome position (GRCh38, 1-based): chr2:25,245,322, G>C on the plus strand (C>G on the coding strand, the complement: DNMT3A is on the minus strand). VCF-style: chr2-25245322-G-C. GRCh37 (hg19) VCF-style: chr2-25468191-G-C.
Other names: c.1029C>G, p.Ile343Met (NM_001320893.1); c.816C>G, p.Ile272Met (NM_001375819.1); c.918C>G, p.Ile306Met (NM_153759.3); c.1485C>G, p.Ile495Met (NM_175629.2); short protein forms I306M, I495M, I343M, I272M.
Identifiers: ClinVar variation 5035505 (VCV005035505.1).

ClinVar aggregate classification (germline): Uncertain significance (1 of 4 stars; one submission).

Conditions:
Inborn genetic diseases. Identifiers: MedGen C0950123, MeSH D030342.

Submission:

Ambry Genetics
Classification: Uncertain significance for Inborn genetic diseases. Last evaluated: 2026-07-13. Review status: criteria provided, single submitter. Criteria: Ambry Variant Classification Scheme 2023. Collection method: clinical testing. Allele origin: germline.
Comment: The p.I495M variant (also known as c.1485C>G), located in coding exon 12 of the DNMT3A gene, results from a C to G substitution at nucleotide position 1485. The isoleucine at codon 495 is replaced by methionine, an amino acid with highly similar properties. This amino acid position is conserved. In addition, the in silico prediction for this alteration is inconclusive. Based on the available evidence, the clinical significance of this variant remains unclear.